The following is an entry in ClinVar:

ClinVar aggregate classification (germline): Uncertain significance (1 of 4 stars; one submission).

Submission:

Ambry Genetics
Classification: Uncertain significance. Last evaluated: 2026-07-01. Review status: criteria provided, single submitter. Criteria: Ambry Variant Classification Scheme 2023. Collection method: clinical testing. Allele origin: germline.
Comment: The p.D85N variant (also known as c.253G>A), located in coding exon 1 of the CDK12 gene, results from a G to A substitution at nucleotide position 253. The aspartic acid at codon 85 is replaced by asparagine, an amino acid with highly similar properties. This amino acid position is conserved. In addition, this alteration is predicted to be tolerated by in silico analysis. Based on the available evidence, the clinical significance of this variant remains unclear.

NM_016507.4(CDK12):c.253G>A (p.Asp85Asn)

Genes: CDK12 (cyclin dependent kinase 12; plus strand), LOC126862553 (CDK7 strongly-dependent group 2 enhancer GRCh37_chr17:37618166-37619365; plus strand). Cytogenetic location: 17q12.
Variant type: single nucleotide variant.
Coding change: c.253G>A on transcript NM_016507.4 (MANE Select); coding-DNA position 253, G replaced by A.
Protein change: p.Asp85Asn; replaces aspartic acid 85 with asparagine.
Molecular consequence: missense variant.
Genome position (GRCh38, 1-based): chr17:39,462,324, G>A. VCF-style: chr17-39462324-G-A. GRCh37 (hg19) VCF-style: chr17-37618577-G-A.
Other names: c.253G>A, p.Asp85Asn (NM_015083.4); short protein forms D85N.
Identifiers: ClinVar variation 5034074 (VCV005034074.1).